The following is an entry in ClinVar:

ClinVar aggregate classification (germline): Uncertain significance. Review status: criteria provided, multiple submitters, no conflicts (2 of 4 stars). 3 submissions from 3 submitters: Uncertain significance (3). Last evaluated 2022-12-21.

Conditions:
Cardiovascular phenotype. Identifiers: MedGen CN230736.
Dilated cardiomyopathy 1G (CMD1G). Identifiers: Orphanet 154, MedGen C1858763, MONDO:0011400, OMIM 604145.
Autosomal recessive limb-girdle muscular dystrophy type 2J (LGMDR10). Also called: Limb-girdle muscular dystrophy, type 2J; MUSCULAR DYSTROPHY, LIMB-GIRDLE, AUTOSOMAL RECESSIVE 10. Identifiers: Orphanet 140922, MedGen C1837342, MONDO:0012127, OMIM 608807.

Allele frequency attached by ClinVar (database versions not stated): TOPMed 0.00001.
gnomAD v4.1: 2 of 1,613,936 alleles (0.00012%); no homozygotes.

Submissions (3):

Revvity Omics, Revvity
Classification: Uncertain significance. Last evaluated: 2022-12-21. Review status: criteria provided, single submitter. Criteria: ACMG Guidelines, 2015. Collection method: clinical testing. Allele origin: germline.

Labcorp Genetics (formerly Invitae), Labcorp
Classification: Uncertain significance for Dilated cardiomyopathy 1G; Autosomal recessive limb-girdle muscular dystrophy type 2J. Last evaluated: 2022-05-30. Review status: criteria provided, single submitter. Criteria: Invitae Variant Classification Sherloc (09022015). Collection method: clinical testing. Allele origin: germline.
Comment: In summary, the available evidence is currently insufficient to determine the role of this variant in disease. Therefore, it has been classified as a Variant of Uncertain Significance. This variant is located in the M band of TTN (PMID: 25589632). Variants in this region may be relevant for neuromuscular disorders, but have not been definitively shown to cause cardiomyopathy (PMID: 23975875). Experimental studies and prediction algorithms are not available or were not evaluated, and the functional significance of this variant is currently unknown. ClinVar contains an entry for this variant (Variation ID: 580191). This variant has not been reported in the literature in individuals affected with TTN-related conditions. This variant is not present in population databases (gnomAD no frequency). This sequence change replaces tryptophan, which is neutral and slightly polar, with cysteine, which is neutral and slightly polar, at codon 34170 of the TTN protein (p.Trp34170Cys).

Ambry Genetics
Classification: Uncertain significance for Cardiovascular phenotype. Last evaluated: 2019-07-31. Review status: criteria provided, single submitter. Criteria: Ambry Variant Classification Scheme 2023. Collection method: clinical testing. Allele origin: germline.
Comment: The p.W25105C variant (also known as c.75315G>C), located in coding exon 185 of the TTN gene, results from a G to C substitution at nucleotide position 75315. The tryptophan at codon 25105 is replaced by cysteine, an amino acid with highly dissimilar properties. This amino acid position is highly conserved in available vertebrate species. In addition, this alteration is predicted to be deleterious by in silico analysis. Since supporting evidence is limited at this time, the clinical significance of this alteration remains unclear.

Literature cited by the submitters: PubMed 25589632 (cited by Labcorp Genetics (formerly Invitae), Labcorp); PubMed 23975875 (cited by Labcorp Genetics (formerly Invitae), Labcorp).

NM_001267550.2(TTN):c.102510G>C (p.Trp34170Cys)

Genes: TTN (titin; minus strand), TTN-AS1 (TTN antisense RNA 1; plus strand). Cytogenetic location: 2q31.2.
Variant type: single nucleotide variant.
Coding change: c.102510G>C on transcript NM_001267550.2 (MANE Select); coding-DNA position 102510, G replaced by C.
Protein change: p.Trp34170Cys; replaces tryptophan 34170 with cysteine.
Molecular consequence: missense variant.
Genome position (GRCh38, 1-based): chr2:178,534,105, C>G on the plus strand (G>C on the coding strand, the complement: TTN is on the minus strand). VCF-style: chr2-178534105-C-G. GRCh37 (hg19) VCF-style: chr2-179398832-C-G.
Other names: c.97587G>C, p.Trp32529Cys (NM_001256850.1); c.75315G>C, p.Trp25105Cys (NM_003319.4); c.94806G>C, p.Trp31602Cys (NM_133378.4); c.75690G>C, p.Trp25230Cys (NM_133432.3); c.75891G>C, p.Trp25297Cys (NM_133437.4); short protein forms W34170C, W25297C, W25230C, W32529C, W25105C, W31602C.
Identifiers: ClinVar variation 580191 (VCV000580191.14), dbSNP rs1559033550, ClinGen allele CA349417374.